The following is an entry in ClinVar:

ClinVar aggregate classification (germline): Uncertain significance (1 of 4 stars; one submission).

gnomAD v4.1: 1 of 1,595,398 alleles (0.000063%); highest among the groups gnomAD compares: Non-Finnish European, 0.000085%; no homozygotes.

Submission:

GeneDx
Classification: Uncertain significance. Last evaluated: 2024-10-30. Review status: criteria provided, single submitter. Criteria: GeneDx Variant Classification Process June 2021. Collection method: clinical testing. Allele origin: germline. Affected: yes.
Comment: Not observed at significant frequency in large population cohorts (gnomAD); In silico analysis supports that this missense variant has a deleterious effect on protein structure/function; Has not been previously published as pathogenic or benign to our knowledge

NM_001039876.3(SYNE4):c.203A>G (p.Asn68Ser)

Gene: SYNE4 (spectrin repeat containing nuclear envelope family member 4; minus strand). Cytogenetic location: 19q13.12.
Variant type: single nucleotide variant.
Coding change: c.203A>G on transcript NM_001039876.3 (MANE Select); coding-DNA position 203, A replaced by G.
Protein change: p.Asn68Ser; replaces asparagine 68 with serine.
Molecular consequence: missense variant.
Genome position (GRCh38, 1-based): chr19:36,008,293, T>C on the plus strand (A>G on the coding strand, the complement: SYNE4 is on the minus strand). VCF-style: chr19-36008293-T-C. GRCh37 (hg19) VCF-style: chr19-36499195-T-C.
Other names: c.203A>G, p.Asn68Ser (NM_001297735.3); short protein forms N68S.
Identifiers: ClinVar variation 3897366 (VCV003897366.1).